The following is an entry in ClinVar:

NM_000368.5(TSC1):c.559C>G (p.Leu187Val)

Gene: TSC1 (TSC complex subunit 1; minus strand). Cytogenetic location: 9q34.13.
Variant type: single nucleotide variant.
Coding change: c.559C>G on transcript NM_000368.5 (MANE Select); coding-DNA position 559, C replaced by G.
Protein change: p.Leu187Val; replaces leucine 187 with valine.
Molecular consequence: missense variant.
Genome position (GRCh38, 1-based): chr9:132,921,923, G>C on the plus strand (C>G on the coding strand, the complement: TSC1 is on the minus strand). VCF-style: chr9-132921923-G-C. GRCh37 (hg19) VCF-style: chr9-135797310-G-C.
Other names: c.559C>G, p.Leu187Val (NM_001162426.2); c.406C>G, p.Leu136Val (NM_001162427.2); c.196C>G, p.Leu66Val (NM_001362177.2); short protein forms L136V, L66V, L187V.
Identifiers: ClinVar variation 1347934 (VCV001347934.8), dbSNP rs2132158182, ClinGen allele CA375372727.

ClinVar aggregate classification (germline): Uncertain significance (1 of 4 stars; one submission).

Conditions:
Tuberous sclerosis 1 (TSC1). Identifiers: Orphanet 805, MedGen C1854465, MONDO:0008612, OMIM 191100.

Submission:

Labcorp Genetics (formerly Invitae), Labcorp
Classification: Uncertain significance for Tuberous sclerosis 1. Last evaluated: 2022-09-25. Review status: criteria provided, single submitter. Criteria: Invitae Variant Classification Sherloc (09022015). Collection method: clinical testing. Allele origin: germline.
Comment: RNA analysis performed to evaluate the impact of this missense change on mRNA splicing indicates it does not significantly alter splicing (Invitae). Advanced modeling of protein sequence and biophysical properties (such as structural, functional, and spatial information, amino acid conservation, physicochemical variation, residue mobility, and thermodynamic stability) performed at Invitae indicates that this missense variant is not expected to disrupt TSC1 protein function. ClinVar contains an entry for this variant (Variation ID: 1347934). This variant has not been reported in the literature in individuals affected with TSC1-related conditions. This variant is not present in population databases (gnomAD no frequency). This sequence change replaces leucine, which is neutral and non-polar, with valine, which is neutral and non-polar, at codon 187 of the TSC1 protein (p.Leu187Val). In summary, the available evidence is currently insufficient to determine the role of this variant in disease. Therefore, it has been classified as a Variant of Uncertain Significance.